The following is an entry in ClinVar:

NM_003803.4(MYOM1):c.2476T>C (p.Ser826Pro)

Gene: MYOM1 (myomesin 1; minus strand). Cytogenetic location: 18p11.31.
Variant type: single nucleotide variant.
Coding change: c.2476T>C on transcript NM_003803.4 (MANE Select); coding-DNA position 2476, T replaced by C.
Protein change: p.Ser826Pro; replaces serine 826 with proline.
Molecular consequence: missense variant.
Genome position (GRCh38, 1-based): chr18:3,131,405, A>G on the plus strand (T>C on the coding strand, the complement: MYOM1 is on the minus strand). VCF-style: chr18-3131405-A-G. GRCh37 (hg19) VCF-style: chr18-3131403-A-G.
Other names: c.2476T>C, p.Ser826Pro (NM_019856.2); short protein forms S826P.
Identifiers: ClinVar variation 3666084 (VCV003666084.2).
Genomic context (GRCh38, chr18:3,131,405, plus strand): 5'-CCCCCATACAGTTATGCATAAGGAACTTACCAATAGCAGCTTTGACTTCAATAGCTTCTG[A>G]ATCCTGGGAATATTCACTAAGTCCAGCTGCATTGACTGCTCTGACCCGGAAAATATAACT-3'
Protein context (NP_003794.3, residues 816-836): AAGLSEYSQD[Ser826Pro]EAIEVKAAIG

ClinVar aggregate classification (germline): Uncertain significance (1 of 4 stars; one submission).

Conditions:
Hypertrophic cardiomyopathy. Also called: HYPERTROPHIC MYOCARDIOPATHY. Identifiers: Orphanet 217569, MedGen C0007194, MeSH D002312, MONDO:0005045, HP:0001639.

gnomAD v4.1: 1 of 1,613,892 alleles (0.000062%); highest among the groups gnomAD compares: South Asian, 0.0011%; no homozygotes.

Submission:

Labcorp Genetics (formerly Invitae), Labcorp
Classification: Uncertain significance for Hypertrophic cardiomyopathy. Last evaluated: 2025-01-19. Review status: criteria provided, single submitter. Criteria: Invitae Variant Classification Sherloc (09022015). Collection method: clinical testing. Allele origin: germline.
Comment: This sequence change replaces serine, which is neutral and polar, with proline, which is neutral and non-polar, at codon 826 of the MYOM1 protein (p.Ser826Pro). This variant is not present in population databases (gnomAD no frequency). This variant has not been reported in the literature in individuals affected with MYOM1-related conditions. Invitae Evidence Modeling of protein sequence and biophysical properties (such as structural, functional, and spatial information, amino acid conservation, physicochemical variation, residue mobility, and thermodynamic stability) has been performed for this missense variant. However, the output from this modeling did not meet the statistical confidence thresholds required to predict the impact of this variant on MYOM1 protein function. In summary, the available evidence is currently insufficient to determine the role of this variant in disease. Therefore, it has been classified as a Variant of Uncertain Significance.